The following is an entry in ClinVar:

NM_032119.4(ADGRV1):c.4765G>A (p.Gly1589Arg)

Gene: ADGRV1 (adhesion G protein-coupled receptor V1; plus strand). Cytogenetic location: 5q14.3.
Variant type: single nucleotide variant.
Coding change: c.4765G>A on transcript NM_032119.4 (MANE Select); coding-DNA position 4765, G replaced by A.
Protein change: p.Gly1589Arg; replaces glycine 1589 with arginine.
Molecular consequence: missense variant. On other transcripts: non-coding transcript variant (1).
Genome position (GRCh38, 1-based): chr5:90,672,558, G>A. VCF-style: chr5-90672558-G-A. GRCh37 (hg19) VCF-style: chr5-89968375-G-A.
Other names: short protein forms G1589R.
Identifiers: ClinVar variation 3343557 (VCV003343557.1).

ClinVar aggregate classification (germline): Uncertain significance (1 of 4 stars; one submission).

gnomAD v4.1: 2 of 1,613,224 alleles (0.00012%); highest among the groups gnomAD compares: South Asian, 0.0011%; no homozygotes.

Submission:

GeneDx
Classification: Uncertain significance. Last evaluated: 2023-05-22. Review status: criteria provided, single submitter. Criteria: GeneDx Variant Classification Process June 2021. Collection method: clinical testing. Allele origin: germline. Affected: yes.
Comment: Not observed at significant frequency in large population cohorts (gnomAD); In silico analysis supports that this missense variant has a deleterious effect on protein structure/function; Has not been previously published as pathogenic or benign to our knowledge